The following is an entry in ClinVar:

NM_001844.5(COL2A1):c.2720C>A (p.Pro907His)

Gene: COL2A1 (collagen type II alpha 1 chain; minus strand). Cytogenetic location: 12q13.11.
Variant type: single nucleotide variant.
Coding change: c.2720C>A on transcript NM_001844.5 (MANE Select); coding-DNA position 2720, C replaced by A.
Protein change: p.Pro907His; replaces proline 907 with histidine.
Molecular consequence: missense variant.
Genome position (GRCh38, 1-based): chr12:47,979,524, G>T on the plus strand (C>A on the coding strand, the complement: COL2A1 is on the minus strand). VCF-style: chr12-47979524-G-T. GRCh37 (hg19) VCF-style: chr12-48373307-G-T.
Other names: c.2513C>A, p.Pro838His (NM_033150.3); short protein forms P838H, P907H.
Identifiers: ClinVar variation 1998686 (VCV001998686.4), dbSNP rs2540116671, ClinGen allele CA384543833.

ClinVar aggregate classification (germline): Uncertain significance (1 of 4 stars; one submission).

Allele frequency attached by ClinVar (database versions not stated): gnomAD exomes below 0.00001.
gnomAD v4.1: 1 of 1,613,638 alleles (0.000062%); highest among the groups gnomAD compares: Non-Finnish European, 0.000085%; no homozygotes.

Submission:

Labcorp Genetics (formerly Invitae), Labcorp
Classification: Uncertain significance. Last evaluated: 2022-05-25. Review status: criteria provided, single submitter. Criteria: Invitae Variant Classification Sherloc (09022015). Collection method: clinical testing. Allele origin: germline.
Comment: This sequence change replaces proline, which is neutral and non-polar, with histidine, which is basic and polar, at codon 907 of the COL2A1 protein (p.Pro907His). This variant is not present in population databases (gnomAD no frequency). In summary, the available evidence is currently insufficient to determine the role of this variant in disease. Therefore, it has been classified as a Variant of Uncertain Significance. Algorithms developed to predict the effect of missense changes on protein structure and function are either unavailable or do not agree on the potential impact of this missense change (SIFT: "Deleterious"; PolyPhen-2: "Not Available"; Align-GVGD: "Class C65"). This variant has not been reported in the literature in individuals affected with COL2A1-related conditions.